The following is an entry in ClinVar:

ClinVar aggregate classification (germline): Uncertain significance (1 of 4 stars; one submission).

Conditions:
Thrombomodulin-related bleeding disorder (THPH12). Also called: Thrombophilia due to thrombomodulin defect. Identifiers: Orphanet 436169, MedGen C3280976, MONDO:0013775, OMIM 614486.

Submission:

Genomenon, Inc
Classification: Uncertain significance for Thrombomodulin-related bleeding disorder. Last evaluated: 2025-09-22. Review status: criteria provided, single submitter. Criteria: Genomenon Sequence Variant Interpretation Standards - Updated. Collection method: curation. Allele origin: germline. Affected: no.
Comment: THBD p.Ser492Ala (c.1474T>G) is a missense variant that changes the amino acid at residue 492 from Serine to Alanine. This variant has been reported in the published literature (PMID:7929188;29439742;10336638;27459702;8940162;8743727;22729286;27590316;9045633;27928886;11683879). It is absent or not present at a significant frequency in gnomAD. In conclusion, we classify THBD p.Ser492Ala (c.1474T>G) as a variant of unknown significance.

Literature cited by the submitters: PubMed 7929188; PubMed 29439742; PubMed 10336638; PubMed 27459702; PubMed 8940162; PubMed 8743727; PubMed 22729286; PubMed 27590316; PubMed 9045633; PubMed 27928886; PubMed 11683879.

NM_000361.3(THBD):c.1474T>G (p.Ser492Ala)

Gene: THBD (thrombomodulin; minus strand). Cytogenetic location: 20p11.21.
Variant type: single nucleotide variant.
Coding change: c.1474T>G on transcript NM_000361.3 (MANE Select); coding-DNA position 1474, T replaced by G.
Protein change: p.Ser492Ala; replaces serine 492 with alanine.
Molecular consequence: missense variant.
Genome position (GRCh38, 1-based): chr20:23,048,031, A>C on the plus strand (T>G on the coding strand, the complement: THBD is on the minus strand). VCF-style: chr20-23048031-A-C. GRCh37 (hg19) VCF-style: chr20-23028668-A-C.
Other names: short protein forms S492A.
Identifiers: ClinVar variation 4280592 (VCV004280592.1).